The following is an entry in ClinVar:

NM_001190274.2(FBXO11):c.967G>C (p.Glu323Gln)

Gene: FBXO11 (F-box protein 11; minus strand). Cytogenetic location: 2p16.3.
Variant type: single nucleotide variant.
Coding change: c.967G>C on transcript NM_001190274.2 (MANE Select); coding-DNA position 967, G replaced by C.
Protein change: p.Glu323Gln; replaces glutamic acid 323 with glutamine.
Molecular consequence: missense variant.
Genome position (GRCh38, 1-based): chr2:47,833,038, C>G on the plus strand (G>C on the coding strand, the complement: FBXO11 is on the minus strand). VCF-style: chr2-47833038-C-G. GRCh37 (hg19) VCF-style: chr2-48060177-C-G.
Other names: c.715G>C, p.Glu239Gln (NM_001374325.1, NM_025133.4); c.967G>C (NM_001190274.1); short protein forms E239Q, E323Q.
Identifiers: ClinVar variation 1975387 (VCV001975387.6), dbSNP rs2531195662, ClinGen allele CA346766183.

ClinVar aggregate classification (germline): Uncertain significance. Review status: criteria provided, multiple submitters, no conflicts (2 of 4 stars). 2 submissions from 2 submitters: Uncertain significance (2). Last evaluated 2024-02-08.

gnomAD v4.1: 1 of 1,613,482 alleles (0.000062%); no homozygotes.

Submissions (2):

GeneDx
Classification: Uncertain significance. Last evaluated: 2024-02-08. Review status: criteria provided, single submitter. Criteria: GeneDx Variant Classification Process June 2021. Collection method: clinical testing. Allele origin: germline. Affected: yes.
Comment: Not observed at significant frequency in large population cohorts (gnomAD); In silico analysis supports that this missense variant does not alter protein structure/function; Has not been previously published as pathogenic or benign to our knowledge.

Labcorp Genetics (formerly Invitae), Labcorp
Classification: Uncertain significance. Last evaluated: 2022-10-13. Review status: criteria provided, single submitter. Criteria: Invitae Variant Classification Sherloc (09022015). Collection method: clinical testing. Allele origin: germline.
Comment: In summary, the available evidence is currently insufficient to determine the role of this variant in disease. Therefore, it has been classified as a Variant of Uncertain Significance. Algorithms developed to predict the effect of missense changes on protein structure and function are either unavailable or do not agree on the potential impact of this missense change (SIFT: "Deleterious"; PolyPhen-2: "Probably Damaging"; Align-GVGD: "Class C0"). This variant has not been reported in the literature in individuals affected with FBXO11-related conditions. This variant is not present in population databases (gnomAD no frequency). This sequence change replaces glutamic acid, which is acidic and polar, with glutamine, which is neutral and polar, at codon 323 of the FBXO11 protein (p.Glu323Gln).